The following is an entry in ClinVar:

ClinVar aggregate classification (germline): Uncertain significance (1 of 4 stars; one submission).

Conditions:
Neurodevelopmental disorder with dysmorphic facies and distal skeletal anomalies. Identifiers: MedGen C5231448, MONDO:0032855, OMIM 618659.

gnomAD v4.1: 1 of 1,614,140 alleles (0.000062%); highest among the groups gnomAD compares: Non-Finnish European, 0.000085%; no homozygotes.

Submission:

Dasa
Classification: Uncertain significance for Neurodevelopmental disorder with dysmorphic facies and distal skeletal anomalies. Last evaluated: 2026-03-25. Review status: criteria provided, single submitter. Criteria: DASA Assertion Criteria. Collection method: clinical testing. Allele origin: germline.
Comment: NM_020338.4(ZMIZ1):c.2496C>G (p.His832Gln) is a missense variant that results in the substitution of histidine with glutamine. This variant is rare in population databases. Computational prediction algorithms are consistent with a benign effect. The currently available literature and clinical evidence are not sufficient to establish a definitive association between this variant and the reported condition. Therefore, this variant is classified as a variant of uncertain significance.

NM_020338.4(ZMIZ1):c.2496C>G (p.His832Gln)

Gene: ZMIZ1 (zinc finger MIZ-type containing 1; plus strand). Cytogenetic location: 10q22.3.
Variant type: single nucleotide variant.
Coding change: c.2496C>G on transcript NM_020338.4 (MANE Select); coding-DNA position 2496, C replaced by G.
Protein change: p.His832Gln; replaces histidine 832 with glutamine.
Molecular consequence: missense variant.
Genome position (GRCh38, 1-based): chr10:79,306,172, C>G. VCF-style: chr10-79306172-C-G. GRCh37 (hg19) VCF-style: chr10-81065929-C-G.
Other names: short protein forms H832Q.
Identifiers: ClinVar variation 4882473 (VCV004882473.2).